The following is an entry in ClinVar:

ClinVar aggregate classification (germline): Uncertain significance (1 of 4 stars; one submission).

Submission:

Labcorp Genetics (formerly Invitae), Labcorp
Classification: Uncertain significance. Last evaluated: 2025-05-12. Review status: criteria provided, single submitter. Criteria: Invitae Variant Classification Sherloc (09022015). Collection method: clinical testing. Allele origin: germline.
Comment: This sequence change replaces serine, which is neutral and polar, with phenylalanine, which is neutral and non-polar, at codon 469 of the GCM2 protein (p.Ser469Phe). This variant is not present in population databases (gnomAD no frequency). This variant has not been reported in the literature in individuals affected with GCM2-related conditions. An algorithm developed to predict the effect of missense changes on protein structure and function (PolyPhen-2) suggests that this variant is likely to be tolerated. In summary, the available evidence is currently insufficient to determine the role of this variant in disease. Therefore, it has been classified as a Variant of Uncertain Significance.

NM_004752.4(GCM2):c.1406C>T (p.Ser469Phe)

Gene: GCM2 (glial cells missing transcription factor 2; minus strand). Cytogenetic location: 6p24.2.
Variant type: single nucleotide variant.
Coding change: c.1406C>T on transcript NM_004752.4 (MANE Select); coding-DNA position 1406, C replaced by T.
Protein change: p.Ser469Phe; replaces serine 469 with phenylalanine.
Molecular consequence: missense variant.
Genome position (GRCh38, 1-based): chr6:10,874,110, G>A on the plus strand (C>T on the coding strand, the complement: GCM2 is on the minus strand). VCF-style: chr6-10874110-G-A. GRCh37 (hg19) VCF-style: chr6-10874343-G-A.
Other names: short protein forms S469F.
Identifiers: ClinVar variation 4771341 (VCV004771341.1).